The following is an entry in ClinVar:

NM_015001.3(SPEN):c.5130_5133del (p.Glu1711fs)

Gene: SPEN (spen family transcriptional repressor; plus strand). Cytogenetic location: 1p36.13.
Variant type: Deletion.
Coding change: c.5130_5133del on transcript NM_015001.3 (MANE Select); coding-DNA positions 5130 to 5133, 4 bases deleted (AGAA; older notation c.5130_5133delAGAA).
Protein change: p.Glu1711fs; shifts the reading frame from glutamic acid 1711.
Molecular consequence: frameshift variant.
Genome position (GRCh38, 1-based): chr1:15,931,370-15,931,373, AGAA deleted; deleting any 4 consecutive bases within chr1:15,931,368-15,931,373 gives the same sequence; the c. name uses the placement nearest the transcript's 3' end. VCF-style (leftmost placement, unchanged base first): chr1-15931367-TAAAG-T. GRCh37 (hg19) VCF-style: chr1-16257862-TAAAG-T.
Other names: c.5130_5133delAGAA (NM_015001.2); c.5130_5133del (NM_015001.2); short protein forms E1711fs.
Identifiers: ClinVar variation 4632010 (VCV004632010.2).

ClinVar aggregate classification (germline): Pathogenic. Review status: criteria provided, multiple submitters, no conflicts (2 of 4 stars). 2 submissions from 2 submitters: Pathogenic (2). Last evaluated 2025-09-24.

Conditions:
Inborn genetic diseases. Identifiers: MedGen C0950123, MeSH D030342.

Submissions (2):

Ambry Genetics
Classification: Pathogenic for Inborn genetic diseases. Last evaluated: 2025-09-24. Review status: criteria provided, single submitter. Criteria: Ambry Variant Classification Scheme 2023. Collection method: clinical testing. Allele origin: germline.
Comment: The c.5130_5133delAGAA (p.E1711Lfs*3) alteration, located in exon 11 (coding exon 11) of the SPEN gene, consists of a deletion of 4 nucleotides from position 5130 to 5133, causing a translational frameshift with a predicted alternate stop codon after 3 amino acids. This alteration is expected to result in loss of function by premature protein truncation or nonsense-mediated mRNA decay. This variant was not reported in population-based cohorts in the Genome Aggregation Database (gnomAD). Based on the available evidence, this alteration is classified as pathogenic.

GeneDx
Classification: Pathogenic. Last evaluated: 2025-04-21. Review status: criteria provided, single submitter. Criteria: GeneDx Variant Classification Process June 2021. Collection method: clinical testing. Allele origin: germline.
Comment: Frameshift variant predicted to result in protein truncation or nonsense mediated decay in a gene for which loss of function is a known mechanism of disease; Not observed at significant frequency in large population cohorts (gnomAD); Has not been previously published as pathogenic or benign to our knowledge